The following is an entry in ClinVar:

NM_021942.6(TRAPPC11):c.2252T>G (p.Val751Gly)

Genes: TRAPPC11 (trafficking protein particle complex subunit 11; plus strand), LOC126807238 (BRD4-independent group 4 enhancer GRCh37_chr4:184614366-184615565; plus strand). Cytogenetic location: 4q35.1.
Variant type: single nucleotide variant.
Coding change: c.2252T>G on transcript NM_021942.6 (MANE Select); coding-DNA position 2252, T replaced by G.
Protein change: p.Val751Gly; replaces valine 751 with glycine.
Molecular consequence: missense variant.
Genome position (GRCh38, 1-based): chr4:183,693,603, T>G. VCF-style: chr4-183693603-T-G. GRCh37 (hg19) VCF-style: chr4-184614756-T-G.
Other names: c.2252T>G, p.Val751Gly (NM_199053.3); short protein forms V751G.
Identifiers: ClinVar variation 1039457 (VCV001039457.13), dbSNP rs1381726046, ClinGen allele CA358871163.

ClinVar aggregate classification (germline): Uncertain significance (1 of 4 stars; one submission).

Conditions:
Autosomal recessive limb-girdle muscular dystrophy type R18 (LGMDR18). Also called: Limb-girdle muscular dystrophy, type 2S; MUSCULAR DYSTROPHY, LIMB-GIRDLE, AUTOSOMAL RECESSIVE 18; Autosomal recessive limb-girdle muscular dystrophy type 2S. Identifiers: Orphanet 369840, MedGen C4517996, MONDO:0014144, OMIM 615356.

Allele frequency attached by ClinVar (database versions not stated): TOPMed below 0.00001.
gnomAD v4.1: 1 of 1,611,728 alleles (0.000062%); highest among the groups gnomAD compares: Non-Finnish European, 0.000085%; no homozygotes.

Submission:

Labcorp Genetics (formerly Invitae), Labcorp
Classification: Uncertain significance for Autosomal recessive limb-girdle muscular dystrophy type R18. Last evaluated: 2022-03-18. Review status: criteria provided, single submitter. Criteria: Invitae Variant Classification Sherloc (09022015). Collection method: clinical testing. Allele origin: germline.
Comment: This sequence change replaces valine, which is neutral and non-polar, with glycine, which is neutral and non-polar, at codon 751 of the TRAPPC11 protein (p.Val751Gly). This variant is not present in population databases (gnomAD no frequency). This variant has not been reported in the literature in individuals affected with TRAPPC11-related conditions. ClinVar contains an entry for this variant (Variation ID: 1039457). Algorithms developed to predict the effect of missense changes on protein structure and function are either unavailable or do not agree on the potential impact of this missense change (SIFT: "Deleterious"; PolyPhen-2: "Benign"; Align-GVGD: "Class C15"). In summary, the available evidence is currently insufficient to determine the role of this variant in disease. Therefore, it has been classified as a Variant of Uncertain Significance.